The following is an entry in ClinVar:

NM_000368.5(TSC1):c.1997+9C>T

Gene: TSC1 (TSC complex subunit 1; minus strand). Cytogenetic location: 9q34.13.
Variant type: single nucleotide variant.
Coding change: c.1997+9C>T on transcript NM_000368.5 (MANE Select); 9 bases into the intron after coding-DNA position 1997, C replaced by T.
Molecular consequence: intron variant.
Genome position (GRCh38, 1-based): chr9:132,905,572, G>A on the plus strand (C>T on the coding strand, the complement: TSC1 is on the minus strand). VCF-style: chr9-132905572-G-A. GRCh37 (hg19) VCF-style: chr9-135780959-G-A.
Other names: c.1634+9C>T (NM_001362177.2); c.1844+9C>T (NM_001162427.2); c.1994+9C>T (NM_001162426.2).
Identifiers: ClinVar variation 416677 (VCV000416677.12), dbSNP rs371043832, ClinGen allele CA16612575.

ClinVar aggregate classification (germline): Likely benign. Review status: criteria provided, multiple submitters, no conflicts (2 of 4 stars). 2 submissions from 2 submitters: Likely benign (2). Last evaluated 2025-04-10.

Conditions:
Tuberous sclerosis 1 (TSC1). Identifiers: Orphanet 805, MedGen C1854465, MONDO:0008612, OMIM 191100.

Allele frequency attached by ClinVar (database versions not stated): ESP Exome Variant Server 0.00008.

Submissions (2):

Myriad Genetics, Inc.
Classification: Likely benign for Tuberous sclerosis 1. Last evaluated: 2025-04-10. Review status: criteria provided, single submitter. Criteria: Myriad Autosomal Dominant, Autosomal Recessive and X-Linked Classification Criteria (2023). Collection method: clinical testing. Allele origin: unknown.
Comment: This variant is considered likely benign. This variant is intronic and is not expected to impact mRNA splicing.

Labcorp Genetics (formerly Invitae), Labcorp
Classification: Likely benign for Tuberous sclerosis 1. Last evaluated: 2025-03-05. Review status: criteria provided, single submitter. Criteria: Invitae Variant Classification Sherloc (09022015). Collection method: clinical testing. Allele origin: germline.